The following is an entry in ClinVar:

NM_001277115.2(DNAH11):c.3291C>A (p.Ser1097Arg)

Genes: DNAH11 (dynein axonemal heavy chain 11; plus strand), LOC126859961 (BRD4-independent group 4 enhancer GRCh37_chr7:21639662-21640861; plus strand). Cytogenetic location: 7p15.3.
Variant type: single nucleotide variant.
Coding change: c.3291C>A on transcript NM_001277115.2 (MANE Select); coding-DNA position 3291, C replaced by A.
Protein change: p.Ser1097Arg; replaces serine 1097 with arginine.
Molecular consequence: missense variant.
Genome position (GRCh38, 1-based): chr7:21,601,045, C>A. VCF-style: chr7-21601045-C-A. GRCh37 (hg19) VCF-style: chr7-21640663-C-A.
Other names: short protein forms S1097R.
Identifiers: ClinVar variation 238909 (VCV000238909.13), dbSNP rs544553237, ClinGen allele CA4179589.

ClinVar aggregate classification (germline): Likely benign. Review status: criteria provided, single submitter (1 of 4 stars). 2 submissions from 2 submitters: Likely benign (1). 1 of the submissions does not count toward it. Last evaluated 2025-12-02.

Conditions:
DNAH11-related disorder. Also called: DNAH11-related condition.
Primary ciliary dyskinesia. Also called: Ciliary dyskinesia. Identifiers: Orphanet 244, MedGen C0008780, MONDO:0016575, HP:0012265.

Allele frequency attached by ClinVar (database versions not stated): gnomAD 0.00001 and 0.00013; TOPMed 0.00003; gnomAD exomes 0.00018 and 0.00046; ExAC 0.00048; 1000 Genomes Project 0.00060; 1000 Genomes Project 30x 0.00062.
gnomAD v4.1: 286 of 1,611,926 alleles (0.018%); highest among the groups gnomAD compares: South Asian, 0.29%; 2 homozygotes.

Submissions (2):

Labcorp Genetics (formerly Invitae), Labcorp
Classification: Likely benign for Primary ciliary dyskinesia. Last evaluated: 2025-12-02. Review status: criteria provided, single submitter. Criteria: Invitae Variant Classification Sherloc (09022015). Collection method: clinical testing. Allele origin: germline.

PreventionGenetics, part of Exact Sciences
Classification: Likely benign for DNAH11-related condition. Last evaluated: 2022-04-27. Review status: no assertion criteria provided. Collection method: clinical testing. Allele origin: germline. Not counted in ClinVar's aggregate classification.
Comment: This variant is classified as likely benign based on ACMG/AMP sequence variant interpretation guidelines (Richards et al. 2015 PMID: 25741868, with internal and published modifications).